The following is an entry in ClinVar:

ClinVar aggregate classification (germline): Pathogenic (1 of 4 stars; one submission).

Submission:

Ambry Genetics
Classification: Pathogenic. Last evaluated: 2023-05-01. Review status: criteria provided, single submitter. Criteria: Ambry Variant Classification Scheme 2023. Collection method: clinical testing. Allele origin: germline.
Comment: The c.2521dupA (p.T841Nfs*28) alteration, located in exon 24 (coding exon 23) of the IKBKAP gene, consists of a duplication of A at position 2521, causing a translational frameshift with a predicted alternate stop codon after 28 amino acids. This alteration is expected to result in loss of function by premature protein truncation or nonsense-mediated mRNA decay. This variant was not reported in population-based cohorts in the Genome Aggregation Database (gnomAD). Based on the available evidence, this alteration is classified as pathogenic.

NM_003640.5(ELP1):c.2521dup (p.Thr841fs)

Gene: ELP1 (elongator acetyltransferase complex subunit 1; minus strand). Cytogenetic location: 9q31.3.
Variant type: Duplication.
Coding change: c.2521dup on transcript NM_003640.5 (MANE Select); coding-DNA position 2521, one base duplicated (A; older notation c.2521dupA).
Protein change: p.Thr841fs; shifts the reading frame from threonine 841.
Molecular consequence: frameshift variant.
Genome position (GRCh38, 1-based): chr9:108,897,019, T duplicated on the plus strand (A on the coding strand, the reverse complement: ELP1 is on the minus strand). VCF-style (leftmost placement, unchanged base first): chr9-108897018-G-GT. GRCh37 (hg19) VCF-style: chr9-111659298-G-GT.
Other names: c.2179dup, p.Thr727fs (NM_001318360.2); c.1474dup, p.Thr492fs (NM_001330749.2); c.2521dupA (NM_003640.3); short protein forms T492fs, T727fs, T841fs.
Identifiers: ClinVar variation 2539860 (VCV002539860.2), dbSNP rs2537890534, ClinGen allele CA2580616283.